The following is an entry in ClinVar:

ClinVar aggregate classification (germline): Pathogenic (1 of 4 stars; one submission).

Submission:

Labcorp Genetics (formerly Invitae), Labcorp
Classification: Pathogenic. Last evaluated: 2023-05-30. Review status: criteria provided, single submitter. Criteria: Invitae Variant Classification Sherloc (09022015). Collection method: clinical testing. Allele origin: germline.
Comment: This sequence change creates a premature translational stop signal (p.Ile126Asnfs*42) in the GLE1 gene. It is expected to result in an absent or disrupted protein product. Loss-of-function variants in GLE1 are known to be pathogenic (PMID: 18204449, 24243016, 27684565). This variant is not present in population databases (gnomAD no frequency). For these reasons, this variant has been classified as Pathogenic. This variant has not been reported in the literature in individuals affected with GLE1-related conditions.

Literature cited by the submitters: PubMed 18204449; PubMed 24243016; PubMed 27684565.

NM_001003722.2(GLE1):c.376dup (p.Ile126fs)

Gene: GLE1 (GLE1 RNA export mediator; plus strand). Cytogenetic location: 9q34.11.
Variant type: Duplication.
Coding change: c.376dup on transcript NM_001003722.2 (MANE Select); coding-DNA position 376, one base duplicated (A; older notation c.376dupA).
Protein change: p.Ile126fs; shifts the reading frame from isoleucine 126.
Molecular consequence: frameshift variant.
Genome position (GRCh38, 1-based): chr9:128,515,583, A duplicated. VCF-style (leftmost placement, unchanged base first): chr9-128515582-G-GA. GRCh37 (hg19) VCF-style: chr9-131277861-G-GA.
Other names: c.376dup, p.Ile126fs (NM_001411013.1, NM_001499.2); short protein forms I126fs.
Identifiers: ClinVar variation 2749897 (VCV002749897.3), dbSNP rs2540574296, ClinGen allele CA2697558056.